The following is an entry in ClinVar:

ClinVar aggregate classification (germline): Uncertain significance. Review status: criteria provided, multiple submitters, no conflicts (2 of 4 stars). 3 submissions from 3 submitters: Uncertain significance (3). Last evaluated 2025-03-30.

Allele frequency attached by ClinVar (database versions not stated): ExAC 0.00001; gnomAD 0.00001 and 0.00002; gnomAD exomes 0.00001 and 0.00002.
gnomAD v4.1: 21 of 1,614,090 alleles (0.0013%); highest among the groups gnomAD compares: Admixed American, 0.015%; no homozygotes.

Submissions (3):

Ambry Genetics
Classification: Uncertain significance. Last evaluated: 2025-03-30. Review status: criteria provided, single submitter. Criteria: Ambry Variant Classification Scheme 2023. Collection method: clinical testing. Allele origin: germline.

Labcorp Genetics (formerly Invitae), Labcorp
Classification: Uncertain significance. Last evaluated: 2024-05-11. Review status: criteria provided, single submitter. Criteria: Invitae Variant Classification Sherloc (09022015). Collection method: clinical testing. Allele origin: germline.
Comment: This sequence change replaces histidine, which is basic and polar, with arginine, which is basic and polar, at codon 139 of the NEK2 protein (p.His139Arg). This variant is present in population databases (rs746620317, gnomAD 0.02%). This variant has not been reported in the literature in individuals affected with NEK2-related conditions. ClinVar contains an entry for this variant (Variation ID: 1427955). An algorithm developed to predict the effect of missense changes on protein structure and function (PolyPhen-2) suggests that this variant is likely to be disruptive. In summary, the available evidence is currently insufficient to determine the role of this variant in disease. Therefore, it has been classified as a Variant of Uncertain Significance.

Blueprint Genetics
Classification: Uncertain significance. Last evaluated: 2022-06-16. Review status: criteria provided, single submitter. Criteria: ACMG Guidelines, 2015. Collection method: clinical testing. Allele origin: germline.

NM_002497.4(NEK2):c.416A>G (p.His139Arg)

Gene: NEK2 (NIMA related kinase 2; minus strand). Cytogenetic location: 1q32.3.
Variant type: single nucleotide variant.
Coding change: c.416A>G on transcript NM_002497.4 (MANE Select); coding-DNA position 416, A replaced by G.
Protein change: p.His139Arg; replaces histidine 139 with arginine.
Molecular consequence: missense variant.
Genome position (GRCh38, 1-based): chr1:211,673,622, T>C on the plus strand (A>G on the coding strand, the complement: NEK2 is on the minus strand). VCF-style: chr1-211673622-T-C. GRCh37 (hg19) VCF-style: chr1-211846964-T-C.
Other names: c.416A>G, p.His139Arg (NM_001204182.2, NM_001204183.2); c.416A>G (NM_002497.3); short protein forms H139R.
Identifiers: ClinVar variation 1427955 (VCV001427955.9), dbSNP rs746620317, ClinGen allele CA1381692.